The following is an entry in ClinVar:

ClinVar aggregate classification (germline): Likely benign. Review status: criteria provided, multiple submitters, no conflicts (2 of 4 stars). 3 submissions from 3 submitters: Likely benign (3). Last evaluated 2025-12-08.

Conditions:
Wilms tumor 1 (WT1). Also called: Wilms tumor, somatic. Identifiers: Orphanet 654, MedGen CN033288, MONDO:0008679, OMIM 194070.
Inborn genetic diseases. Identifiers: MedGen C0950123, MeSH D030342.
11p partial monosomy syndrome (WAGR). Also called: CHROMOSOME 11p13 DELETION SYNDROME; WAGR Spectrum Disorder; WAGR syndrome; WAGR Complex. Identifiers: Orphanet 893, MedGen C0206115, MONDO:0008681, OMIM 194072.
Frasier syndrome. Identifiers: Orphanet 347, MedGen C0950122, MeSH D052159, MONDO:0007635, OMIM 136680.
Drash syndrome (DDS). Also called: NEPHROPATHY, WILMS TUMOR, AND GENITAL ANOMALIES; WILMS TUMOR AND PSEUDO- OR TRUE HERMAPHRODITISM. Identifiers: Orphanet 220, MedGen C0950121, MONDO:0008682, OMIM 194080.

Allele frequency attached by ClinVar (database versions not stated): gnomAD exomes 0.00001 and 0.00002; TOPMed 0.00001.
gnomAD v4.1: 4 of 1,531,790 alleles (0.00026%); highest among the groups gnomAD compares: Admixed American, 0.0039%; no homozygotes.

Submissions (3):

Labcorp Genetics (formerly Invitae), Labcorp
Classification: Likely benign for Wilms tumor 1; Drash syndrome; 11p partial monosomy syndrome; Frasier syndrome. Last evaluated: 2025-12-08. Review status: criteria provided, single submitter. Criteria: Invitae Variant Classification Sherloc (09022015). Collection method: clinical testing. Allele origin: germline.

Ambry Genetics
Classification: Likely benign for Inborn genetic diseases. Last evaluated: 2024-12-01. Review status: criteria provided, single submitter. Criteria: Ambry Variant Classification Scheme 2023. Collection method: clinical testing. Allele origin: germline.

All of Us Research Program, National Institutes of Health
Classification: Likely benign for Wilms tumor 1. Last evaluated: 2023-12-18. Review status: criteria provided, single submitter. Criteria: ACMG Guidelines, 2015. Collection method: clinical testing. Allele origin: germline. Inheritance: Autosomal dominant inheritance. Observed: 1 variant allele, 1 heterozygote.
Comment: This study involves interpretation of variants in research participants for the purpose of population health screening. Participant phenotype was not available at the time of variant classification. Additional details can be found in publication PMID: 35346344, PMCID: PMC8962531

NM_024426.6(WT1):c.159C>T (p.Ala53=)

Genes: WT1 (WT1 transcription factor; minus strand), LOC107982234 (WT1/WT1-AS bi-directional promoter region; plus strand). Cytogenetic location: 11p13.
Variant type: single nucleotide variant.
Coding change: c.159C>T on transcript NM_024426.6 (MANE Select); coding-DNA position 159, C replaced by T.
Protein change: p.Ala53=; no amino-acid change (alanine 53 retained).
Molecular consequence: synonymous variant. On other transcripts: non-coding transcript variant (1).
Genome position (GRCh38, 1-based): chr11:32,435,202, G>A on the plus strand (C>T on the coding strand, the complement: WT1 is on the minus strand). VCF-style: chr11-32435202-G-A. GRCh37 (hg19) VCF-style: chr11-32456748-G-A.
Other names: c.159C>T, p.Ala53= (NM_000378.6, NM_024424.5).
Identifiers: ClinVar variation 543150 (VCV000543150.14), dbSNP rs1021307133, ClinGen allele CA219511369.
Genomic context (GRCh38, chr11:32,435,202, plus strand): 5'-TTGCTGCGGCTCAGACCCGGACGCCCCGCGGCTCCTCCGGCCCTGGAGACGTTCAGCGCT[G>A]GCCTCGGCGGCGCCTAACTTGGCCCAGATGCCGCCCGGGTCCCGGACTCCCTGCTGCTCT-3'
Protein context (NP_077744.4, residues 43-63): GIWAKLGAAE[Ala53=]SAERLQGRRS